The following is an entry in ClinVar:

NC_000005.9:g.(?_110077728)_(110083984_?)dup

Gene: SLC25A46 (solute carrier family 25 member 46; plus strand). Cytogenetic location: 5q22.1.
Variant type: Duplication.
Identifiers: ClinVar variation 584411 (VCV000584411.9).

ClinVar aggregate classification (germline): Likely pathogenic (1 of 4 stars; one submission).

Conditions:
Neuropathy, hereditary motor and sensory, type 6B (HMSN6B). Also called: Neuropathy, hereditary motor and sensory, type VIB; HMSN VIB; CHARCOT-MARIE-TOOTH DISEASE, TYPE 6B; NEUROPATHY, HEREDITARY MOTOR AND SENSORY, TYPE VIB, WITH OPTIC ATROPHY. Identifiers: MedGen C4225302, MONDO:0014671, OMIM 616505.

Submission:

Labcorp Genetics (formerly Invitae), Labcorp
Classification: Likely pathogenic for Neuropathy, hereditary motor and sensory, type 6B. Last evaluated: 2018-01-22. Review status: criteria provided, single submitter. Criteria: Invitae Variant Classification Sherloc (09022015). Collection method: clinical testing. Allele origin: germline.
Comment: This variant is a gross duplication of the genomic region encompassing exons 2-5 of the SLC25A46 gene. While the exact position of the duplicated exons cannot be determined from this data, sub-genic duplications are generally in tandem (PMID: 25640679) and may result in an absent or disrupted protein product. This variant has not been reported in the literature in individuals with SLC25A46-related disease. Loss-of-function variants in SLC25A46 are known to be pathogenic (PMID: 26168012, 26951855, 27543974). In summary, the currently available evidence indicates that the variant is pathogenic, but additional data are needed to prove that conclusively. Therefore, this variant has been classified as Likely Pathogenic.

Literature cited by the submitters: PubMed 25640679; PubMed 26168012; PubMed 26951855; PubMed 27543974.